The following is an entry in ClinVar:

ClinVar aggregate classification (germline): Uncertain significance (1 of 4 stars; one submission).

Submission:

GeneDx
Classification: Uncertain significance. Last evaluated: 2025-01-12. Review status: criteria provided, single submitter. Criteria: GeneDx Variant Classification Process June 2021. Collection method: clinical testing. Allele origin: germline. Affected: yes.
Comment: Not observed at significant frequency in large population cohorts (gnomAD); In silico analysis indicates that this missense variant does not alter protein structure/function; Has not been previously published as pathogenic or benign to our knowledge

NM_001367479.1(DNAH14):c.7885A>G (p.Lys2629Glu)

Gene: DNAH14 (dynein axonemal heavy chain 14; plus strand). Cytogenetic location: 1q42.12.
Variant type: single nucleotide variant.
Coding change: c.7885A>G on transcript NM_001367479.1 (MANE Select); coding-DNA position 7885, A replaced by G.
Protein change: p.Lys2629Glu; replaces lysine 2629 with glutamic acid.
Molecular consequence: missense variant.
Genome position (GRCh38, 1-based): chr1:225,273,000, A>G. VCF-style: chr1-225273000-A-G. GRCh37 (hg19) VCF-style: chr1-225460702-A-G.
Other names: NM_001373.1:c.7867A>G; short protein forms K2629E.
Identifiers: ClinVar variation 4057099 (VCV004057099.1).